The following is an entry in ClinVar:

ClinVar aggregate classification (germline): Uncertain significance (1 of 4 stars; one submission).

Submission:

CeGaT Center for Human Genetics Tuebingen
Classification: Uncertain significance. Last evaluated: 2024-02-01. Review status: criteria provided, single submitter. Criteria: CeGaT Center For Human Genetics Tuebingen Variant Classification Criteria Version 2. Collection method: clinical testing. Allele origin: germline. Affected: yes. Observed: 1 variant allele.
Comment: ADGRV1: PM2, BP4

NM_032119.4(ADGRV1):c.4036C>A (p.Pro1346Thr)

Gene: ADGRV1 (adhesion G protein-coupled receptor V1; plus strand). Cytogenetic location: 5q14.3.
Variant type: single nucleotide variant.
Coding change: c.4036C>A on transcript NM_032119.4 (MANE Select); coding-DNA position 4036, C replaced by A.
Protein change: p.Pro1346Thr; replaces proline 1346 with threonine.
Molecular consequence: missense variant. On other transcripts: non-coding transcript variant (1).
Genome position (GRCh38, 1-based): chr5:90,653,610, C>A. VCF-style: chr5-90653610-C-A. GRCh37 (hg19) VCF-style: chr5-89949427-C-A.
Other names: short protein forms P1346T.
Identifiers: ClinVar variation 3027284 (VCV003027284.22), dbSNP rs2532089304, ClinGen allele CA360400927.
Genomic context (GRCh38, chr5:90,653,610, plus strand): 5'-GATGCTTTGTACTTTACCGGACTAGAGGGTGCATTTGGGACTGTTAATCCAAAATACCAT[C>A]CCTCCAGGAATAATACAATTGCCAACTTTACATTCTCAGCTTGGGTAATGCCCAATGCCA-3'
Protein context (NP_115495.3, residues 1336-1356): AFGTVNPKYH[Pro1346Thr]SRNNTIANFT